The following is an entry in ClinVar:

NM_000059.4(BRCA2):c.7139A>G (p.His2380Arg)

Gene: BRCA2 (BRCA2 DNA repair associated; plus strand). Cytogenetic location: 13q13.1.
Variant type: single nucleotide variant.
Coding change: c.7139A>G on transcript NM_000059.4 (MANE Select); coding-DNA position 7139, A replaced by G.
Protein change: p.His2380Arg; replaces histidine 2380 with arginine.
Molecular consequence: missense variant.
Genome position (GRCh38, 1-based): chr13:32,354,992, A>G. VCF-style: chr13-32354992-A-G. GRCh37 (hg19) VCF-style: chr13-32929129-A-G.
Other names: short protein forms H2380R.
Identifiers: ClinVar variation 630897 (VCV000630897.14), dbSNP rs1555286018, ClinGen allele CA387738952.
Genomic context (GRCh38, chr13:32,354,992, plus strand): 5'-CTCATTTGTATGAACATCTGACTTTGGAAAAATCTTCAAGCAATTTAGCAGTTTCAGGAC[A>G]TCCATTTTATCAAGTTTCTGCTACAAGAAATGAAAAAATGAGACACTTGATTACTACAGG-3'
Protein context (NP_000050.3, residues 2370-2390): KSSSNLAVSG[His2380Arg]PFYQVSATRN

ClinVar aggregate classification (germline): Uncertain significance. Review status: criteria provided, multiple submitters, no conflicts (2 of 4 stars). 2 submissions from 2 submitters: Uncertain significance (2). Last evaluated 2023-12-05.

Conditions:
Hereditary cancer-predisposing syndrome. Also called: Tumor predisposition; Neoplastic Syndromes, Hereditary; Hereditary neoplastic syndrome; Hereditary Cancer Syndrome. Identifiers: Orphanet 140162, MedGen C0027672, MeSH D009386, MONDO:0015356.
Hereditary breast ovarian cancer syndrome. Also called: Hereditary breast and ovarian cancer; Hereditary breast and ovarian cancer syndrome (HBOC); Breast and ovarian cancer; Hereditary breast and ovarian cancer syndrome; BRCA1- and BRCA2-Associated Hereditary Breast and Ovarian Cancer; Hereditary breast and/or ovarian cancer syndrome. Identifiers: Orphanet 145, MedGen C0677776, MeSH D061325, MONDO:0003582. Disease mechanism: loss of function.

Submissions (2):

Color Diagnostics, LLC DBA Color Health
Classification: Uncertain significance for Hereditary cancer-predisposing syndrome. Last evaluated: 2023-12-05. Review status: criteria provided, single submitter. Criteria: ACMG Guidelines, 2015. Collection method: clinical testing. Allele origin: germline.
Comment: This missense variant replaces histidine with arginine at codon 2380 of the BRCA2 protein. Computational prediction suggests that this variant may not impact protein structure and function (internally defined REVEL score threshold <= 0.5, PMID: 27666373). To our knowledge, functional studies have not been reported for this variant. This variant has not been reported in individuals affected with BRCA2-related disorders in the literature. This variant has not been identified in the general population by the Genome Aggregation Database (gnomAD). The available evidence is insufficient to determine the role of this variant in disease conclusively. Therefore, this variant is classified as a Variant of Uncertain Significance.

Labcorp Genetics (formerly Invitae), Labcorp
Classification: Uncertain significance for Hereditary breast ovarian cancer syndrome. Last evaluated: 2022-05-06. Review status: criteria provided, single submitter. Criteria: Invitae Variant Classification Sherloc (09022015). Collection method: clinical testing. Allele origin: germline.
Comment: In summary, the available evidence is currently insufficient to determine the role of this variant in disease. Therefore, it has been classified as a Variant of Uncertain Significance. Advanced modeling of protein sequence and biophysical properties (such as structural, functional, and spatial information, amino acid conservation, physicochemical variation, residue mobility, and thermodynamic stability) performed at Invitae indicates that this missense variant is not expected to disrupt BRCA2 protein function. ClinVar contains an entry for this variant (Variation ID: 630897). This variant has not been reported in the literature in individuals affected with BRCA2-related conditions. This variant is not present in population databases (gnomAD no frequency). This sequence change replaces histidine, which is basic and polar, with arginine, which is basic and polar, at codon 2380 of the BRCA2 protein (p.His2380Arg).